The following is an entry in ClinVar:

NM_005045.4(RELN):c.5168A>T (p.Gln1723Leu)

Gene: RELN (reelin; minus strand). Cytogenetic location: 7q22.1.
Variant type: single nucleotide variant.
Coding change: c.5168A>T on transcript NM_005045.4 (MANE Select); coding-DNA position 5168, A replaced by T.
Protein change: p.Gln1723Leu; replaces glutamine 1723 with leucine.
Molecular consequence: missense variant.
Genome position (GRCh38, 1-based): chr7:103,565,320, T>A on the plus strand (A>T on the coding strand, the complement: RELN is on the minus strand). VCF-style: chr7-103565320-T-A. GRCh37 (hg19) VCF-style: chr7-103205767-T-A.
Other names: c.5168A>T, p.Gln1723Leu (NM_173054.3); short protein forms Q1723L.
Identifiers: ClinVar variation 1721732 (VCV001721732.5), dbSNP rs779040781, ClinGen allele CA368745686.

ClinVar aggregate classification (germline): Uncertain significance (1 of 4 stars; one submission).

Conditions:
Norman-Roberts syndrome (LIS2). Also called: Lissencephaly 2 (Norman-Roberts type). Identifiers: Orphanet 89844, MedGen C0796089, MONDO:0009760, OMIM 257320.
Familial temporal lobe epilepsy 7. Identifiers: Orphanet 101046, MedGen C4225327, MONDO:0014639, OMIM 616436.

Submission:

Labcorp Genetics (formerly Invitae), Labcorp
Classification: Uncertain significance for Familial temporal lobe epilepsy 7; Norman-Roberts syndrome. Last evaluated: 2022-12-22. Review status: criteria provided, single submitter. Criteria: Invitae Variant Classification Sherloc (09022015). Collection method: clinical testing. Allele origin: germline.
Comment: This variant is not present in population databases (gnomAD no frequency). This sequence change replaces glutamine, which is neutral and polar, with leucine, which is neutral and non-polar, at codon 1723 of the RELN protein (p.Gln1723Leu). This variant has not been reported in the literature in individuals affected with RELN-related conditions. ClinVar contains an entry for this variant (Variation ID: 1721732). Advanced modeling of protein sequence and biophysical properties (such as structural, functional, and spatial information, amino acid conservation, physicochemical variation, residue mobility, and thermodynamic stability) performed at Invitae indicates that this missense variant is not expected to disrupt RELN protein function. In summary, the available evidence is currently insufficient to determine the role of this variant in disease. Therefore, it has been classified as a Variant of Uncertain Significance.